The following is an entry in ClinVar:

NM_005477.3(HCN4):c.3206G>T (p.Arg1069Leu)

Gene: HCN4 (hyperpolarization activated cyclic nucleotide gated potassium channel 4; minus strand). Cytogenetic location: 15q24.1.
Variant type: single nucleotide variant.
Coding change: c.3206G>T on transcript NM_005477.3 (MANE Select); coding-DNA position 3206, G replaced by T.
Protein change: p.Arg1069Leu; replaces arginine 1069 with leucine.
Molecular consequence: missense variant.
Genome position (GRCh38, 1-based): chr15:73,322,887, C>A on the plus strand (G>T on the coding strand, the complement: HCN4 is on the minus strand). VCF-style: chr15-73322887-C-A. GRCh37 (hg19) VCF-style: chr15-73615228-C-A.
Other names: short protein forms R1069L.
Identifiers: ClinVar variation 2898691 (VCV002898691.3), dbSNP rs760242560, ClinGen allele CA393086012.

ClinVar aggregate classification (germline): Uncertain significance (1 of 4 stars; one submission).

Conditions:
Brugada syndrome 8 (BRGDA8). Identifiers: Orphanet 130, MedGen C2751083, MONDO:0013148, OMIM 613123.

Submission:

Labcorp Genetics (formerly Invitae), Labcorp
Classification: Uncertain significance for Brugada syndrome 8. Last evaluated: 2023-09-04. Review status: criteria provided, single submitter. Criteria: Invitae Variant Classification Sherloc (09022015). Collection method: clinical testing. Allele origin: germline.
Comment: Advanced modeling of protein sequence and biophysical properties (such as structural, functional, and spatial information, amino acid conservation, physicochemical variation, residue mobility, and thermodynamic stability) performed at Invitae indicates that this missense variant is not expected to disrupt HCN4 protein function. This sequence change replaces arginine, which is basic and polar, with leucine, which is neutral and non-polar, at codon 1069 of the HCN4 protein (p.Arg1069Leu). This variant is not present in population databases (gnomAD no frequency). This variant has not been reported in the literature in individuals affected with HCN4-related conditions. In summary, the available evidence is currently insufficient to determine the role of this variant in disease. Therefore, it has been classified as a Variant of Uncertain Significance.